The following is an entry in ClinVar:

NM_007194.4(CHEK2):c.548T>A (p.Leu183Ter)

Gene: CHEK2 (checkpoint kinase 2; minus strand). Cytogenetic location: 22q12.1.
Variant type: single nucleotide variant.
Coding change: c.548T>A on transcript NM_007194.4 (MANE Select); coding-DNA position 548, T replaced by A.
Protein change: p.Leu183Ter; replaces leucine 183 with a stop codon.
Molecular consequence: nonsense. On other transcripts: 5 prime UTR variant (2), intron variant (1).
Genome position (GRCh38, 1-based): chr22:28,725,021, A>T on the plus strand (T>A on the coding strand, the complement: CHEK2 is on the minus strand). VCF-style: chr22-28725021-A-T. GRCh37 (hg19) VCF-style: chr22-29121009-A-T.
Other names: c.677T>A, p.Leu226Ter (NM_001005735.3, NM_001438294.1); c.-230T>A (NM_001257387.3); c.-116T>A (NM_001437942.1); c.641T>A, p.Leu214Ter (NM_001438293.1, NM_001438295.1); c.548T>A, p.Leu183Ter (NM_145862.3); c.445-98T>A (NM_001349956.3); short protein forms L183*, L226*, L214*.
Identifiers: ClinVar variation 1747848 (VCV001747848.4), dbSNP rs2053939966, ClinGen allele CA411107195.

ClinVar aggregate classification (germline): Pathogenic. Review status: criteria provided, multiple submitters, no conflicts (2 of 4 stars). 2 submissions from 2 submitters: Pathogenic (2). Last evaluated 2024-01-16.

Conditions:
Hereditary cancer-predisposing syndrome. Also called: Hereditary Cancer Syndrome; Hereditary neoplastic syndrome; Neoplastic Syndromes, Hereditary; Tumor predisposition. Identifiers: Orphanet 140162, MedGen C0027672, MeSH D009386, MONDO:0015356.
Familial cancer of breast. Also called: BREAST CANCER, FAMILIAL; hereditary breast carcinoma; Hereditary breast cancer. Identifiers: Orphanet 227535, MedGen C0346153, MONDO:0016419, OMIM 114480. Disease mechanism: loss of function.

Submissions (2):

Ambry Genetics
Classification: Pathogenic for Hereditary cancer-predisposing syndrome. Last evaluated: 2024-01-16. Review status: criteria provided, single submitter. Criteria: Ambry Variant Classification Scheme 2023. Collection method: clinical testing. Allele origin: germline.
Comment: The p.L183* pathogenic mutation (also known as c.548T>A), located in coding exon 3 of the CHEK2 gene, results from a T to A substitution at nucleotide position 548. This changes the amino acid from a leucine to a stop codon within coding exon 3. This alteration is expected to result in loss of function by premature protein truncation or nonsense-mediated mRNA decay. As such, this alteration is interpreted as a disease-causing mutation.

Myriad Genetics, Inc.
Classification: Pathogenic for Familial cancer of breast. Last evaluated: 2023-06-26. Review status: criteria provided, single submitter. Criteria: Myriad Autosomal Dominant, Autosomal Recessive and X-Linked Classification Criteria (2023). Collection method: clinical testing. Allele origin: unknown.
Comment: This variant is considered pathogenic. This variant creates a termination codon and is predicted to result in premature protein truncation.